The following is an entry in ClinVar:

NM_001206927.2(DNAH8):c.13462A>C (p.Ile4488Leu)

Gene: DNAH8 (dynein axonemal heavy chain 8; plus strand). Cytogenetic location: 6p21.2.
Variant type: single nucleotide variant.
Coding change: c.13462A>C on transcript NM_001206927.2 (MANE Select); coding-DNA position 13462, A replaced by C.
Protein change: p.Ile4488Leu; replaces isoleucine 4488 with leucine.
Molecular consequence: missense variant.
Genome position (GRCh38, 1-based): chr6:39,012,305, A>C. VCF-style: chr6-39012305-A-C. GRCh37 (hg19) VCF-style: chr6-38980081-A-C.
Other names: c.12811A>C, p.Ile4271Leu (NM_001371.4); short protein forms I4271L, I4488L.
Identifiers: ClinVar variation 1016803 (VCV001016803.6), dbSNP rs10484847, ClinGen allele CA363993265.

ClinVar aggregate classification (germline): Uncertain significance (1 of 4 stars; one submission).

Conditions:
Primary ciliary dyskinesia. Also called: Ciliary dyskinesia. Identifiers: Orphanet 244, MedGen C0008780, MONDO:0016575, HP:0012265.

gnomAD v4.1: 12 of 1,613,006 alleles (0.00074%); highest among the groups gnomAD compares: Non-Finnish European, 0.001%; no homozygotes.

Submission:

Labcorp Genetics (formerly Invitae), Labcorp
Classification: Uncertain significance for Primary ciliary dyskinesia. Last evaluated: 2021-09-02. Review status: criteria provided, single submitter. Criteria: Invitae Variant Classification Sherloc (09022015). Collection method: clinical testing. Allele origin: germline.
Comment: This sequence change replaces isoleucine with leucine at codon 4488 of the DNAH8 protein (p.Ile4488Leu). The isoleucine residue is weakly conserved and there is a small physicochemical difference between isoleucine and leucine. This variant is not present in population databases (ExAC no frequency). This variant has not been reported in the literature in individuals affected with DNAH8-related conditions. Algorithms developed to predict the effect of missense changes on protein structure and function are either unavailable or do not agree on the potential impact of this missense change (SIFT: "Tolerated"; PolyPhen-2: "Not Available"; Align-GVGD: "Class C0"). In summary, the available evidence is currently insufficient to determine the role of this variant in disease. Therefore, it has been classified as a Variant of Uncertain Significance.